The following is an entry in ClinVar:

ClinVar aggregate classification (germline): Uncertain significance. Review status: criteria provided, multiple submitters, no conflicts (2 of 4 stars). 2 submissions from 2 submitters: Uncertain significance (2). Last evaluated 2022-09-20.

Conditions:
Hereditary cancer-predisposing syndrome. Also called: Tumor predisposition; Neoplastic Syndromes, Hereditary; Hereditary Cancer Syndrome; Hereditary neoplastic syndrome. Identifiers: Orphanet 140162, MedGen C0027672, MeSH D009386, MONDO:0015356.
Ataxia-telangiectasia syndrome (AT). Also called: Ataxia-telangiectasia; LOUIS-BAR SYNDROME; Ataxia-telangiectasia, complementation group D; AT, COMPLEMENTATION GROUP C; ATAXIA-TELANGIECTASIA, COMPLEMENTATION GROUP A; ATAXIA-TELANGIECTASIA, FRESNO VARIANT. Identifiers: Orphanet 100, MedGen C0004135, MONDO:0008840, OMIM 208900.

Allele frequency attached by ClinVar (database versions not stated): gnomAD 0.00001.
gnomAD v4.1: 2 of 1,614,012 alleles (0.00012%); highest among the groups gnomAD compares: Non-Finnish European, 0.00017%; no homozygotes.

Submissions (2):

Ambry Genetics
Classification: Uncertain significance for Hereditary cancer-predisposing syndrome. Last evaluated: 2022-09-20. Review status: criteria provided, single submitter. Criteria: Ambry Variant Classification Scheme 2023. Collection method: clinical testing. Allele origin: germline.
Comment: The p.K2700E variant (also known as c.8098A>G), located in coding exon 54 of the ATM gene, results from an A to G substitution at nucleotide position 8098. The lysine at codon 2700 is replaced by glutamic acid, an amino acid with similar properties. This amino acid position is highly conserved in available vertebrate species. In addition, this alteration is predicted to be deleterious by in silico analysis. Since supporting evidence is limited at this time, the clinical significance of this alteration remains unclear.

Labcorp Genetics (formerly Invitae), Labcorp
Classification: Uncertain significance for Ataxia-telangiectasia syndrome. Last evaluated: 2020-12-30. Review status: criteria provided, single submitter. Criteria: Invitae Variant Classification Sherloc (09022015). Collection method: clinical testing. Allele origin: germline.
Comment: In summary, the available evidence is currently insufficient to determine the role of this variant in disease. Therefore, it has been classified as a Variant of Uncertain Significance. Advanced modeling of protein sequence and biophysical properties (such as structural, functional, and spatial information, amino acid conservation, physicochemical variation, residue mobility, and thermodynamic stability) performed at Invitae indicates that this missense variant is expected to disrupt ATM protein function. This variant has not been reported in the literature in individuals with ATM-related conditions. This variant is not present in population databases (ExAC no frequency). This sequence change replaces lysine with glutamic acid at codon 2700 of the ATM protein (p.Lys2700Glu). The lysine residue is highly conserved and there is a small physicochemical difference between lysine and glutamic acid.

NM_000051.4(ATM):c.8098A>G (p.Lys2700Glu)

Genes: ATM (ATM serine/threonine kinase; plus strand), C11orf65 (chromosome 11 open reading frame 65; minus strand). Cytogenetic location: 11q22.3.
Variant type: single nucleotide variant.
Coding change: c.8098A>G on transcript NM_000051.4 (MANE Select); coding-DNA position 8098, A replaced by G.
Protein change: p.Lys2700Glu; replaces lysine 2700 with glutamic acid.
Molecular consequence: missense variant. On other transcripts: intron variant (2).
Genome position (GRCh38, 1-based): chr11:108,335,056, A>G. VCF-style: chr11-108335056-A-G. GRCh37 (hg19) VCF-style: chr11-108205783-A-G.
Other names: c.641-25985T>C (NM_001330368.2); c.*38+164T>C (NM_001351110.2); c.8098A>G, p.Lys2700Glu (NM_001351834.2); short protein forms K2700E.
Identifiers: ClinVar variation 1361515 (VCV001361515.10), dbSNP rs758588019, ClinGen allele CA382562095.
Genomic context (GRCh38, chr11:108,335,056, plus strand): 5'-CTGGTGACTATACAGTCATTTAAAGCAGAATTTCGCTTAGCAGGAGGTGTAAATTTACCA[A>G]AAATAATAGATTGTGTAGGTTCCGATGGCAAGGAGAGGAGACAGCTTGTTAAGGTGAGCC-3'
Protein context (NP_000042.3, residues 2690-2710): FRLAGGVNLP[Lys2700Glu]IIDCVGSDGK